The following is an entry in ClinVar:

ClinVar aggregate classification (germline): Benign/Likely benign. Review status: criteria provided, multiple submitters, no conflicts (2 of 4 stars). 3 submissions from 3 submitters: Benign (1); Likely benign (1). 1 of the submissions does not count toward it. Last evaluated 2025-04-10.

Conditions:
Tuberous sclerosis 1 (TSC1). Identifiers: Orphanet 805, MedGen C1854465, MONDO:0008612, OMIM 191100.
Tuberous sclerosis syndrome (TSC). Also called: Tuberous Sclerosis Complex; Tuberous sclerosis. Identifiers: Orphanet 805, MedGen C0041341, MONDO:0001734.

Submissions (3):

Myriad Genetics, Inc.
Classification: Benign for Tuberous sclerosis 1. Last evaluated: 2025-04-10. Review status: criteria provided, single submitter. Criteria: Myriad Autosomal Dominant, Autosomal Recessive and X-Linked Classification Criteria (2023). Collection method: clinical testing. Allele origin: unknown.
Comment: This variant is considered benign. This variant is a silent/synonymous amino acid change and it is not expected to impact splicing.

Labcorp Genetics (formerly Invitae), Labcorp
Classification: Likely benign for Tuberous sclerosis 1. Last evaluated: 2023-08-30. Review status: criteria provided, single submitter. Criteria: Invitae Variant Classification Sherloc (09022015). Collection method: clinical testing. Allele origin: germline.

Tuberous sclerosis database (TSC1)
No classification provided. Condition: TSC. Review status: no classification provided. Criteria: Tuberous Sclerosis Database Assertion Criteria 2015. Collection method: curation. Allele origin: germline. Affected: yes. Not counted in ClinVar's aggregate classification.

NM_000368.5(TSC1):c.1572C>G (p.Ser524=)

Gene: TSC1 (TSC complex subunit 1; minus strand). Cytogenetic location: 9q34.13.
Variant type: single nucleotide variant.
Coding change: c.1572C>G on transcript NM_000368.5 (MANE Select); coding-DNA position 1572, C replaced by G.
Protein change: p.Ser524=; no amino-acid change (serine 524 retained).
Molecular consequence: synonymous variant.
Genome position (GRCh38, 1-based): chr9:132,906,006, G>C on the plus strand (C>G on the coding strand, the complement: TSC1 is on the minus strand). VCF-style: chr9-132906006-G-C. GRCh37 (hg19) VCF-style: chr9-135781393-G-C.
Other names: c.1569C>G, p.Ser523= (NM_001162426.2); c.1419C>G, p.Ser473= (NM_001162427.2); c.1209C>G, p.Ser403= (NM_001362177.2).
Identifiers: ClinVar variation 64751 (VCV000064751.6), dbSNP rs397514810, ClinGen allele CA005063.